The following is an entry in ClinVar:

NM_002294.3(LAMP2):c.661G>A (p.Gly221Arg)

Gene: LAMP2 (lysosome associated membrane protein 2; minus strand). Cytogenetic location: Xq24.
Variant type: single nucleotide variant.
Coding change: c.661G>A on transcript NM_002294.3 (MANE Select); coding-DNA position 661, G replaced by A.
Protein change: p.Gly221Arg; replaces glycine 221 with arginine.
Molecular consequence: missense variant.
Genome position (GRCh38, 1-based): chrX:120,447,921, C>T on the plus strand (G>A on the coding strand, the complement: LAMP2 is on the minus strand). VCF-style: chrX-120447921-C-T. GRCh37 (hg19) VCF-style: chrX-119581776-C-T.
Other names: p.G221R:GGA>AGA; c.661G>A, p.Gly221Arg (NM_013995.2, NM_001122606.1); short protein forms G221R.
Identifiers: ClinVar variation 44434 (VCV000044434.49), dbSNP rs145169006, ClinGen allele CA134161.

ClinVar aggregate classification (germline): Conflicting classifications of pathogenicity. Review status: criteria provided, conflicting classifications (1 of 4 stars). 20 submissions from 20 submitters: Uncertain significance (1); Benign (7); Likely benign (6). 6 of the submissions do not count toward it. Last evaluated 2026-01-28.

Conditions:
Cardiovascular phenotype. Identifiers: MedGen CN230736.
Cardiomyopathy (CMYO). Also called: Cardiomyopathies. Identifiers: Orphanet 167848, MedGen C0878544, MONDO:0004994, HP:0001638. Inheritance: Various modes of inheritance.
Danon disease. Also called: ANTOPOL DISEASE; Glycogen Storage Disease Type IIb; PSEUDOGLYCOGENOSIS II; GSD IIb; LYSOSOMAL GLYCOGEN STORAGE DISEASE WITHOUT ACID MALTASE DEFICIENCY. Identifiers: Orphanet 34587, MedGen C0878677, MONDO:0010281, OMIM 300257.
Intellectual disability. Also called: Intellectual functioning disability; Intellectual developmental disorder; intellectual disabilities. Identifiers: MedGen C3714756, MeSH D008607, MONDO:0001071, HP:0001249.

Allele frequency attached by ClinVar (database versions not stated): ExAC 0.00130; gnomAD exomes 0.00155 and 0.00226; 1000 Genomes Project 0.00159; 1000 Genomes Project 30x 0.00166; gnomAD 0.00187 and 0.00193; ESP Exome Variant Server 0.00199; TOPMed 0.00214.
gnomAD v4.1: 2,673 of 1,209,052 alleles (0.22%); highest among the groups gnomAD compares: Admixed American, 0.29%; no homozygotes.

Submissions (20):

Labcorp Genetics (formerly Invitae), Labcorp
Classification: Likely benign for Danon disease. Last evaluated: 2026-01-28. Review status: criteria provided, single submitter. Criteria: Invitae Variant Classification Sherloc (09022015). Collection method: clinical testing. Allele origin: germline.

Mayo Clinic Laboratories, Mayo Clinic
Classification: Benign. Last evaluated: 2025-10-09. Review status: criteria provided, single submitter. Criteria: ACMG Guidelines, 2015. Collection method: clinical testing. Allele origin: germline. Observed: 13 variant alleles.
Comment: BS1, BS2

ARUP Laboratories, Molecular Genetics and Genomics, ARUP Laboratories
Classification: Benign for Danon disease. Last evaluated: 2025-06-27. Review status: criteria provided, single submitter. Criteria: ARUP Molecular Germline Variant Investigation Process 2024. Collection method: clinical testing. Allele origin: germline.

Blueprint Genetics
Classification: Likely benign. Last evaluated: 2024-11-25. Review status: criteria provided, single submitter. Criteria: ACMG Guidelines, 2015. Collection method: clinical testing. Allele origin: germline.

CHEO Genetics Diagnostic Laboratory, Children's Hospital of Eastern Ontario
Classification: Benign for Cardiomyopathy. Last evaluated: 2023-02-21. Review status: criteria provided, single submitter. Criteria: ACMG Guidelines, 2015. Collection method: clinical testing. Allele origin: germline.

GeneDx
Classification: Likely benign. Last evaluated: 2020-09-24. Review status: criteria provided, single submitter. Criteria: GeneDx Variant Classification Process June 2021. Collection method: clinical testing. Allele origin: germline. Affected: yes.
Comment: This variant is associated with the following publications: (PMID: 25091525, 23785128, 28074886, 27600940)

Human Genetics Laboratory, State University of Rio de Janeiro
Classification: Uncertain significance for Intellectual disability. Last evaluated: 2020-04-07. Review status: criteria provided, single submitter. Criteria: ACMG Guidelines, 2015. Collection method: research. Allele origin: inherited. Inheritance: X-linked dominant inheritance. Affected: yes. Observed: 1 heterozygote.

Mendelics
Classification: Likely benign for Danon disease. Last evaluated: 2019-05-28. Review status: criteria provided, single submitter. Criteria: Mendelics Assertion Criteria 2017. Collection method: clinical testing. Allele origin: unknown.

Center for Advanced Laboratory Medicine, UC San Diego Health, University of California San Diego
Classification: Benign for Cardiomyopathy. Last evaluated: 2019-05-14. Review status: criteria provided, single submitter. Criteria: ACMG Guidelines, 2015. Collection method: clinical testing. Allele origin: germline. Affected: yes. Observed: 1 variant allele.

Women's Health and Genetics/Laboratory Corporation of America, LabCorp
Classification: Benign. Last evaluated: 2019-03-04. Review status: criteria provided, single submitter. Criteria: LabCorp Variant Classification Summary - May 2015. Collection method: clinical testing. Allele origin: germline.
Comment: Variant summary: LAMP2 c.661G>A (p.Gly221Arg) results in a non-conservative amino acid change in the encoded protein sequence. Three of four in-silico tools predict a damaging effect of the variant on protein function. The variant allele was found at a frequency of 0.0015 in 200310 control chromosomes in the gnomAD database, including 1 homozygote and 95 hemizygotes. The observed variant frequency is approximately 120 fold of the estimated maximal expected allele frequency for a pathogenic variant in LAMP2 causing Cardiomyopathy phenotype (1.3e-05), strongly suggesting that the variant is benign. The variant c.661G>A has been reported in the literature in patients with dilated (DCM) or hypertrophic (HCM) cardiomyopathies, however without evidence for causality (e.g. Mook 2013, Cecconi 2016, Mademont-Soler 2017). To our knowledge, no experimental evidence demonstrating an impact on protein function has been reported. Six clinical diagnostic laboratories have submitted clinical-significance assessments for this variant to ClinVar after 2014 without evidence for independent evaluation. All laboratories classified the variant as benign (2x)/likely benign(4x). Based on the evidence outlined above, the variant was classified as benign.

Ambry Genetics
Classification: Benign for Cardiovascular phenotype. Last evaluated: 2017-06-15. Review status: criteria provided, single submitter. Criteria: Ambry Variant Classification Scheme 2023. Collection method: clinical testing. Allele origin: germline.

Illumina Laboratory Services, Illumina
Classification: Benign for Danon disease. Last evaluated: 2017-04-28. Review status: criteria provided, single submitter. Criteria: ICSL Variant Classification Criteria 13 December 2019. Collection method: clinical testing. Allele origin: germline.
Comment: This variant was observed as part of a predisposition screen in an ostensibly healthy population. A literature search was performed for the gene, cDNA change, and amino acid change (where applicable). Publications were found based on this search. The evidence from the literature, in combination with allele frequency data from public databases where available, was sufficient to rule this variant out of causing disease. Therefore, this variant is classified as benign.

Molecular Diagnostic Laboratory for Inherited Cardiovascular Disease, Montreal Heart Institute
Classification: Likely benign. Last evaluated: 2016-10-31. Review status: criteria provided, single submitter. Criteria: ACMG Guidelines, 2015. Collection method: clinical testing. Allele origin: germline. Affected: yes.

Laboratory for Molecular Medicine, Mass General Brigham Personalized Medicine
Classification: Likely benign. Last evaluated: 2015-05-26. Review status: criteria provided, single submitter. Criteria: LMM Criteria. Collection method: clinical testing. Allele origin: germline. Observed: 14 variant alleles.
Comment: p.Gly221Arg in LAMP2: This variant is not expected to have clinical significance because it has been identified in 0.2% (84/47999) of European chromosomes, incl uding 30 males, by the Exome Aggregation Consortium (ExAC; dbSNP rs145169006).

Clinical Genetics DNA and cytogenetics Diagnostics Lab, Erasmus MC, Erasmus Medical Center
Classification: Likely benign. Review status: no assertion criteria provided. Collection method: clinical testing. Allele origin: germline. Affected: yes. Study: VKGL Data-share Consensus. Not counted in ClinVar's aggregate classification.

Clinical Genetics, Academic Medical Center
Classification: Benign. Review status: no assertion criteria provided. Collection method: clinical testing. Allele origin: germline. Affected: yes. Study: VKGL Data-share Consensus. Not counted in ClinVar's aggregate classification.

Diagnostic Laboratory, Department of Genetics, University Medical Center Groningen
Classification: Likely benign for Danon disease. Review status: no assertion criteria provided. Collection method: clinical testing. Allele origin: germline. Affected: yes. Study: VKGL Data-share Consensus. Not counted in ClinVar's aggregate classification.

Genome Diagnostics Laboratory, University Medical Center Utrecht
Classification: Likely benign. Review status: no assertion criteria provided. Collection method: clinical testing. Allele origin: germline. Affected: yes. Study: VKGL Data-share Consensus. Not counted in ClinVar's aggregate classification.

Joint Genome Diagnostic Labs from Nijmegen and Maastricht, Radboudumc and MUMC+
Classification: Benign. Review status: no assertion criteria provided. Collection method: clinical testing. Allele origin: germline. Affected: yes. Study: VKGL Data-share Consensus. Not counted in ClinVar's aggregate classification.

Laboratory of Diagnostic Genome Analysis, Leiden University Medical Center (LUMC)
Classification: Likely benign. Review status: no assertion criteria provided. Collection method: clinical testing. Allele origin: germline. Affected: yes. Study: VKGL Data-share Consensus. Not counted in ClinVar's aggregate classification.

Literature cited by the submitters: PubMed 23785128 (cited by 3 submitters); PubMed 27600940 (cited by Mayo Clinic Laboratories, Mayo Clinic and Women's Health and Genetics/Laboratory Corporation of America, LabCorp); PubMed 28074886 (cited by Mayo Clinic Laboratories, Mayo Clinic); PubMed 28771489 (cited by Women's Health and Genetics/Laboratory Corporation of America, LabCorp); PubMed 25091525 (cited by Illumina Laboratory Services, Illumina).